The following is an entry in ClinVar:

ClinVar aggregate classification (germline): Uncertain significance. Review status: criteria provided, multiple submitters, no conflicts (2 of 4 stars). 5 submissions from 5 submitters: Uncertain significance (5). Last evaluated 2026-01-26.

Conditions:
Hereditary cancer-predisposing syndrome. Also called: Hereditary Cancer Syndrome; Hereditary neoplastic syndrome; Neoplastic Syndromes, Hereditary; Tumor predisposition. Identifiers: Orphanet 140162, MedGen C0027672, MeSH D009386, MONDO:0015356.
Multiple endocrine neoplasia, type 2 (MEN2). Identifiers: Orphanet 653, MedGen C4048306, MONDO:0019003. Disease mechanism: gain of function.
Hirschsprung disease, susceptibility to, 1 (HSCR1). Also called: RET-Related Hirschsprung Disease. Identifiers: Orphanet 388, MedGen C3888239, MONDO:0007723, OMIM 142623.

Allele frequency attached by ClinVar (database versions not stated): gnomAD exomes below 0.00001 and 0.00001; ExAC 0.00001; gnomAD 0.00001; TOPMed 0.00002.
gnomAD v4.1: 13 of 1,614,110 alleles (0.00081%); highest among the groups gnomAD compares: Non-Finnish European, 0.00093%; no homozygotes.

Submissions (5):

Labcorp Genetics (formerly Invitae), Labcorp
Classification: Uncertain significance for Multiple endocrine neoplasia, type 2. Last evaluated: 2026-01-26. Review status: criteria provided, single submitter. Criteria: Invitae Variant Classification Sherloc (09022015). Collection method: clinical testing. Allele origin: germline.
Comment: This sequence change replaces aspartic acid, which is acidic and polar, with asparagine, which is neutral and polar, at codon 1081 of the RET protein (p.Asp1081Asn). This variant is present in population databases (rs745955777, gnomAD 0.0009%). This variant has not been reported in the literature in individuals affected with RET-related conditions. ClinVar contains an entry for this variant (Variation ID: 405528). An algorithm developed to predict the effect of missense changes on protein structure and function (PolyPhen-2) suggests that this variant is likely to be disruptive. Algorithms developed to predict the effect of sequence changes on RNA splicing suggest that this variant may disrupt the consensus splice site. In summary, the available evidence is currently insufficient to determine the role of this variant in disease. Therefore, it has been classified as a Variant of Uncertain Significance.

Color Diagnostics, LLC DBA Color Health
Classification: Uncertain significance for Multiple endocrine neoplasia, type 2. Last evaluated: 2025-09-17. Review status: criteria provided, single submitter. Criteria: ACMG Guidelines, 2015. Collection method: clinical testing. Allele origin: germline.
Comment: This missense variant replaces aspartic acid with asparagine at codon 1081 of the RET protein. Computational predictions are inconclusive regarding the impact of this variant on protein structure and function. To our knowledge, functional studies have not been reported for this variant. This variant has not been reported in individuals affected with RET-related disorders in the literature. This variant has been identified in 1/251492 chromosomes in the general population by the Genome Aggregation Database (gnomAD). The available evidence is insufficient to determine the role of this variant in disease conclusively. Therefore, this variant is classified as a Variant of Uncertain Significance.

Ambry Genetics
Classification: Uncertain significance for Hereditary cancer-predisposing syndrome. Last evaluated: 2025-03-03. Review status: criteria provided, single submitter. Criteria: Ambry Variant Classification Scheme 2023. Collection method: clinical testing. Allele origin: germline.
Comment: The p.D1081N variant (also known as c.3241G>A), located in coding exon 20 of the RET gene, results from a G to A substitution at nucleotide position 3241. The aspartic acid at codon 1081 is replaced by asparagine, an amino acid with highly similar properties. This amino acid position is well conserved in available vertebrate species. In addition, the in silico prediction for this alteration is inconclusive. Since supporting evidence is limited at this time, the clinical significance of this alteration remains unclear.

Baylor Genetics
Classification: Uncertain significance for Hirschsprung disease, susceptibility to, 1. Last evaluated: 2024-02-28. Review status: criteria provided, single submitter. Criteria: ACMG Guidelines, 2015. Collection method: clinical testing. Allele origin: unknown.

All of Us Research Program, National Institutes of Health
Classification: Uncertain significance for Multiple endocrine neoplasia, type 2. Last evaluated: 2023-04-03. Review status: criteria provided, single submitter. Criteria: ACMG Guidelines, 2015. Collection method: clinical testing. Allele origin: germline. Inheritance: Autosomal dominant inheritance. Observed: 1 variant allele, 1 heterozygote.
Comment: This missense variant replaces aspartic acid with asparagine at codon 1081 of the RET protein. Computational prediction suggests that this variant may not impact protein structure and function (internally defined REVEL score threshold <= 0.5, PMID: 27666373). To our knowledge, functional studies have not been reported for this variant. This variant has not been reported in individuals affected with hereditary cancer in the literature. This variant has been identified in 1/251492 chromosomes in the general population by the Genome Aggregation Database (gnomAD). The available evidence is insufficient to determine the role of this variant in disease conclusively. Therefore, this variant is classified as a Variant of Uncertain Significance.

This study involves interpretation of variants in research participants for the purpose of population health screening. Participant phenotype was not available at the time of variant classification. Additional details can be found in publication PMID: 35346344, PMCID: PMC8962531

NM_020975.6(RET):c.3241G>A (p.Asp1081Asn)

Gene: RET (ret proto-oncogene; plus strand). Cytogenetic location: 10q11.21.
Variant type: single nucleotide variant.
Coding change: c.3241G>A on transcript NM_020975.6 (MANE Select); coding-DNA position 3241, G replaced by A.
Protein change: p.Asp1081Asn; replaces aspartic acid 1081 with asparagine.
Molecular consequence: missense variant.
Genome position (GRCh38, 1-based): chr10:43,128,165, G>A. VCF-style: chr10-43128165-G-A. GRCh37 (hg19) VCF-style: chr10-43623613-G-A.
Other names: c.3241G>A (LRG_518t1); short protein forms D1081N.
Identifiers: ClinVar variation 405528 (VCV000405528.15), dbSNP rs745955777, ClinGen allele CA054879.